The following is an entry in ClinVar:

NM_001987.5(ETV6):c.723G>A (p.Glu241=)

Gene: ETV6 (ETS variant transcription factor 6; plus strand). Cytogenetic location: 12p13.2.
Variant type: single nucleotide variant.
Coding change: c.723G>A on transcript NM_001987.5 (MANE Select); coding-DNA position 723, G replaced by A.
Protein change: p.Glu241=; no amino-acid change (glutamic acid 241 retained).
Molecular consequence: synonymous variant.
Genome position (GRCh38, 1-based): chr12:11,869,683, G>A. VCF-style: chr12-11869683-G-A. GRCh37 (hg19) VCF-style: chr12-12022617-G-A.
Other names: c.720G>A, p.Glu240= (NM_001413913.1); c.696G>A, p.Glu232= (NM_001413914.1); c.459G>A, p.Glu153= (NM_001413915.1); c.723G>A, p.Glu241= (NM_001413916.1, NM_001413917.1).
Identifiers: ClinVar variation 2909448 (VCV002909448.7), dbSNP rs199557618, ClinGen allele CA6454320.
Genomic context (GRCh38, chr12:11,869,683, plus strand): 5'-CAGGCCGCACCAGGAGAACAACCACCAGGAGTCCTACCCTCTGTCAGTGTCTCCCATGGA[G>A]AATAATCACTGCCCAGCGTCCTCCGAGTCCCACCCGAAGCCATCCAGCCCCCGGCAGGAG-3'
Protein context (NP_001978.1, residues 231-251): ESYPLSVSPM[Glu241=]NNHCPASSES

ClinVar aggregate classification (germline): Benign/Likely benign. Review status: criteria provided, multiple submitters, no conflicts (2 of 4 stars). 4 submissions from 4 submitters: Benign (1); Likely benign (2). 1 of the submissions does not count toward it. Last evaluated 2025-05-06.

Conditions:
Inborn genetic diseases. Identifiers: MedGen C0950123, MeSH D030342.
ETV6-related disorder. Also called: ETV6-related condition.

Allele frequency attached by ClinVar (database versions not stated): TOPMed 0.00002; gnomAD 0.00011; gnomAD exomes 0.00014; ExAC 0.00036.
gnomAD v4.1: 222 of 1,614,168 alleles (0.014%); highest among the groups gnomAD compares: South Asian, 0.23%; 2 homozygotes.

Submissions (4):

Labcorp Genetics (formerly Invitae), Labcorp
Classification: Benign. Last evaluated: 2025-05-06. Review status: criteria provided, single submitter. Criteria: Invitae Variant Classification Sherloc (09022015). Collection method: clinical testing. Allele origin: germline.

Ambry Genetics
Classification: Likely benign for Inborn genetic diseases. Last evaluated: 2024-08-21. Review status: criteria provided, single submitter. Criteria: Ambry Variant Classification Scheme 2023. Collection method: clinical testing. Allele origin: germline.

Blueprint Genetics
Classification: Likely benign. Last evaluated: 2024-07-11. Review status: criteria provided, single submitter. Criteria: ACMG Guidelines, 2015. Collection method: clinical testing. Allele origin: germline.

PreventionGenetics, part of Exact Sciences
Classification: Likely benign for ETV6-related condition. Last evaluated: 2023-08-03. Review status: no assertion criteria provided. Collection method: clinical testing. Allele origin: germline. Not counted in ClinVar's aggregate classification.
Comment: This variant is classified as likely benign based on ACMG/AMP sequence variant interpretation guidelines (Richards et al. 2015 PMID: 25741868, with internal and published modifications).